The following is an entry in ClinVar:

ClinVar aggregate classification (germline): Uncertain significance (1 of 4 stars; one submission).

Conditions:
Chédiak-Higashi syndrome (CHS). Also called: Chediak-Higashi Syndrome. Identifiers: Orphanet 167, MedGen C0007965, MONDO:0008963, OMIM 214500.

Allele frequency attached by ClinVar (database versions not stated): ExAC 0.00001; gnomAD exomes 0.00001; ESP Exome Variant Server 0.00008.
gnomAD v4.1: 18 of 1,614,134 alleles (0.0011%); highest among the groups gnomAD compares: Non-Finnish European, 0.0015%; no homozygotes.

Submission:

Labcorp Genetics (formerly Invitae), Labcorp
Classification: Uncertain significance for Chédiak-Higashi syndrome. Last evaluated: 2022-03-04. Review status: criteria provided, single submitter. Criteria: Invitae Variant Classification Sherloc (09022015). Collection method: clinical testing. Allele origin: germline.
Comment: This sequence change replaces phenylalanine, which is neutral and non-polar, with tyrosine, which is neutral and polar, at codon 3493 of the LYST protein (p.Phe3493Tyr). This variant is present in population databases (rs201576299, gnomAD 0.002%). This variant has not been reported in the literature in individuals affected with LYST-related conditions. ClinVar contains an entry for this variant (Variation ID: 1041877). Algorithms developed to predict the effect of missense changes on protein structure and function are either unavailable or do not agree on the potential impact of this missense change (SIFT: "Deleterious"; PolyPhen-2: "Possibly Damaging"; Align-GVGD: "Class C0"). In summary, the available evidence is currently insufficient to determine the role of this variant in disease. Therefore, it has been classified as a Variant of Uncertain Significance.

NM_000081.4(LYST):c.10478T>A (p.Phe3493Tyr)

Gene: LYST (lysosomal trafficking regulator; minus strand). Cytogenetic location: 1q42.3.
Variant type: single nucleotide variant.
Coding change: c.10478T>A on transcript NM_000081.4 (MANE Select); coding-DNA position 10478, T replaced by A.
Protein change: p.Phe3493Tyr; replaces phenylalanine 3493 with tyrosine.
Molecular consequence: missense variant.
Genome position (GRCh38, 1-based): chr1:235,697,169, A>T on the plus strand (T>A on the coding strand, the complement: LYST is on the minus strand). VCF-style: chr1-235697169-A-T. GRCh37 (hg19) VCF-style: chr1-235860469-A-T.
Other names: c.10478T>A, p.Phe3493Tyr (NM_001301365.1); short protein forms F3493Y.
Identifiers: ClinVar variation 1041877 (VCV001041877.2), dbSNP rs201576299, ClinGen allele CA1465357.
Genomic context (GRCh38, chr1:235,697,169, plus strand): 5'-AGACAGAAATTCCGTGACAAACCACAGATTGCTCTGGTGGGCAGAGCCTGGAGAGAGCCA[A>T]ATCTTTCTCCGTGGGGCTGGCTGAAGCAGACCACAGGTACTGGAGCACTGGGGGAACCCA-3'
Protein context (NP_000072.2, residues 3483-3503): VCFSQPHGER[Phe3493Tyr]GSLQALPTRA